The following is an entry in ClinVar:

NM_018100.4(EFHC1):c.1223A>T (p.Asp408Val)

Gene: EFHC1 (EF-hand domain containing 1; plus strand). Cytogenetic location: 6p12.2.
Variant type: single nucleotide variant.
Coding change: c.1223A>T on transcript NM_018100.4 (MANE Select); coding-DNA position 1223, A replaced by T.
Protein change: p.Asp408Val; replaces aspartic acid 408 with valine.
Molecular consequence: missense variant. On other transcripts: non-coding transcript variant (1).
Genome position (GRCh38, 1-based): chr6:52,469,418, A>T. VCF-style: chr6-52469418-A-T. GRCh37 (hg19) VCF-style: chr6-52334216-A-T.
Other names: c.1166A>T, p.Asp389Val (NM_001172420.2); short protein forms D389V, D408V.
Identifiers: ClinVar variation 939704 (VCV000939704.12), dbSNP rs773810917, ClinGen allele CA3856019.

ClinVar aggregate classification (germline): Uncertain significance. Review status: criteria provided, multiple submitters, no conflicts (2 of 4 stars). 2 submissions from 2 submitters: Uncertain significance (2). Last evaluated 2024-08-27.

Conditions:
Myoclonic epilepsy, juvenile, susceptibility to, 1. Also called: Myoclonic Epilepsy, Juvenile, 1; EJM1. Identifiers: MedGen C1850778, MONDO:0020752, OMIM 254770.
Absence seizure. Also called: Absence epilepsy. Identifiers: Orphanet 1941, MedGen C0014553.

Allele frequency attached by ClinVar (database versions not stated): TOPMed 0.00006; ExAC 0.00003; gnomAD exomes 0.00004; gnomAD 0.00006.
gnomAD v4.1: 232 of 1,613,942 alleles (0.014%); highest among the groups gnomAD compares: Non-Finnish European, 0.019%; no homozygotes.

Submissions (2):

Ambry Genetics
Classification: Uncertain significance. Last evaluated: 2024-08-27. Review status: criteria provided, single submitter. Criteria: Ambry Variant Classification Scheme 2023. Collection method: clinical testing. Allele origin: germline.

Labcorp Genetics (formerly Invitae), Labcorp
Classification: Uncertain significance for Myoclonic epilepsy, juvenile, susceptibility to, 1; Absence seizure. Last evaluated: 2022-08-31. Review status: criteria provided, single submitter. Criteria: Invitae Variant Classification Sherloc (09022015). Collection method: clinical testing. Allele origin: germline.
Comment: This variant is present in population databases (rs773810917, gnomAD 0.01%). In summary, the available evidence is currently insufficient to determine the role of this variant in disease. Therefore, it has been classified as a Variant of Uncertain Significance. Algorithms developed to predict the effect of missense changes on protein structure and function are either unavailable or do not agree on the potential impact of this missense change (SIFT: "Deleterious"; PolyPhen-2: "Probably Damaging"; Align-GVGD: "Class C0"). ClinVar contains an entry for this variant (Variation ID: 939704). This variant has not been reported in the literature in individuals affected with EFHC1-related conditions. This sequence change replaces aspartic acid, which is acidic and polar, with valine, which is neutral and non-polar, at codon 408 of the EFHC1 protein (p.Asp408Val).